The following is an entry in ClinVar:

NM_006914.4(RORB):c.176G>A (p.Arg59Lys)

Gene: RORB (RAR related orphan receptor B; plus strand). Cytogenetic location: 9q21.13.
Variant type: single nucleotide variant.
Coding change: c.176G>A on transcript NM_006914.4 (MANE Select); coding-DNA position 176, G replaced by A.
Protein change: p.Arg59Lys; replaces arginine 59 with lysine.
Molecular consequence: missense variant.
Genome position (GRCh38, 1-based): chr9:74,634,713, G>A. VCF-style: chr9-74634713-G-A. GRCh37 (hg19) VCF-style: chr9-77249629-G-A.
Other names: c.209G>A, p.Arg70Lys (NM_001365023.1); short protein forms R59K, R70K.
Identifiers: ClinVar variation 1437180 (VCV001437180.8), dbSNP rs2118433287, ClinGen allele CA373772273.

ClinVar aggregate classification (germline): Uncertain significance (1 of 4 stars; one submission).

Submission:

Labcorp Genetics (formerly Invitae), Labcorp
Classification: Uncertain significance. Last evaluated: 2022-07-25. Review status: criteria provided, single submitter. Criteria: Invitae Variant Classification Sherloc (09022015). Collection method: clinical testing. Allele origin: germline.
Comment: Algorithms developed to predict the effect of missense changes on protein structure and function (SIFT, PolyPhen-2, Align-GVGD) all suggest that this variant is likely to be disruptive. In summary, the available evidence is currently insufficient to determine the role of this variant in disease. Therefore, it has been classified as a Variant of Uncertain Significance. ClinVar contains an entry for this variant (Variation ID: 1437180). This variant has not been reported in the literature in individuals affected with RORB-related conditions. This variant is not present in population databases (gnomAD no frequency). This sequence change replaces arginine, which is basic and polar, with lysine, which is basic and polar, at codon 59 of the RORB protein (p.Arg59Lys).